The following is an entry in ClinVar:

NM_005529.7(HSPG2):c.6464G>A (p.Arg2155His)

Genes: HSPG2 (heparan sulfate proteoglycan 2; minus strand), LOC126805655 (CDK7 strongly-dependent group 2 enhancer GRCh37_chr1:22178409-22179608; plus strand). Cytogenetic location: 1p36.12.
Variant type: single nucleotide variant.
Coding change: c.6464G>A on transcript NM_005529.7 (MANE Select); coding-DNA position 6464, G replaced by A.
Protein change: p.Arg2155His; replaces arginine 2155 with histidine.
Molecular consequence: missense variant.
Genome position (GRCh38, 1-based): chr1:21,853,046, C>T on the plus strand (G>A on the coding strand, the complement: HSPG2 is on the minus strand). VCF-style: chr1-21853046-C-T. GRCh37 (hg19) VCF-style: chr1-22179539-C-T.
Other names: c.6467G>A, p.Arg2156His (NM_001291860.2); short protein forms R2156H, R2155H.
Identifiers: ClinVar variation 804907 (VCV000804907.6), dbSNP rs575744546, ClinGen allele CA671534.

ClinVar aggregate classification (germline): Uncertain significance. Review status: criteria provided, multiple submitters, no conflicts (2 of 4 stars). 2 submissions from 2 submitters: Uncertain significance (2). Last evaluated 2023-08-17.

Allele frequency attached by ClinVar (database versions not stated): TOPMed 0.00010; gnomAD 0.00003; 1000 Genomes Project 30x 0.00031; 1000 Genomes Project 0.00040.
gnomAD v4.1: 33 of 1,613,892 alleles (0.002%); highest among the groups gnomAD compares: East Asian, 0.06%; no homozygotes.

Submissions (2):

Labcorp Genetics (formerly Invitae), Labcorp
Classification: Uncertain significance. Last evaluated: 2023-08-17. Review status: criteria provided, single submitter. Criteria: Invitae Variant Classification Sherloc (09022015). Collection method: clinical testing. Allele origin: germline.
Comment: This variant has not been reported in the literature in individuals affected with HSPG2-related conditions. This variant is present in population databases (rs575744546, gnomAD 0.07%). This sequence change replaces arginine, which is basic and polar, with histidine, which is basic and polar, at codon 2155 of the HSPG2 protein (p.Arg2155His). ClinVar contains an entry for this variant (Variation ID: 804907). In summary, the available evidence is currently insufficient to determine the role of this variant in disease. Therefore, it has been classified as a Variant of Uncertain Significance. Algorithms developed to predict the effect of missense changes on protein structure and function output the following: SIFT: "Not Available"; PolyPhen-2: "Benign"; Align-GVGD: "Not Available". The histidine amino acid residue is found in multiple mammalian species, which suggests that this missense change does not adversely affect protein function.

Athena Diagnostics
Classification: Uncertain significance. Last evaluated: 2019-03-20. Review status: criteria provided, single submitter. Criteria: Athena Diagnostics Criteria. Collection method: clinical testing. Allele origin: germline.